The following is an entry in ClinVar:

NM_005235.3(ERBB4):c.1007G>A (p.Gly336Asp)

Gene: ERBB4 (erb-b2 receptor tyrosine kinase 4; minus strand). Cytogenetic location: 2q34.
Variant type: single nucleotide variant.
Coding change: c.1007G>A on transcript NM_005235.3 (MANE Select); coding-DNA position 1007, G replaced by A.
Protein change: p.Gly336Asp; replaces glycine 336 with aspartic acid.
Molecular consequence: missense variant.
Genome position (GRCh38, 1-based): chr2:211,712,167, C>T on the plus strand (G>A on the coding strand, the complement: ERBB4 is on the minus strand). VCF-style: chr2-211712167-C-T. GRCh37 (hg19) VCF-style: chr2-212576892-C-T.
Other names: c.1007G>A, p.Gly336Asp (NM_001042599.2, NM_001439005.1, NM_001439006.1); short protein forms G336D.
Identifiers: ClinVar variation 4766573 (VCV004766573.1).

ClinVar aggregate classification (germline): Uncertain significance (1 of 4 stars; one submission).

Submission:

Labcorp Genetics (formerly Invitae), Labcorp
Classification: Uncertain significance. Last evaluated: 2025-11-03. Review status: criteria provided, single submitter. Criteria: Invitae Variant Classification Sherloc (09022015). Collection method: clinical testing. Allele origin: germline.
Comment: This sequence change replaces glycine, which is neutral and non-polar, with aspartic acid, which is acidic and polar, at codon 336 of the ERBB4 protein (p.Gly336Asp). This variant is not present in population databases (gnomAD no frequency). This variant has not been reported in the literature in individuals affected with ERBB4-related conditions. Invitae Evidence Modeling of protein sequence and biophysical properties (such as structural, functional, and spatial information, amino acid conservation, physicochemical variation, residue mobility, and thermodynamic stability) indicates that this missense variant is expected to disrupt ERBB4 protein function with a positive predictive value of 80%. In summary, the available evidence is currently insufficient to determine the role of this variant in disease. Therefore, it has been classified as a Variant of Uncertain Significance.